The following is an entry in ClinVar:

NM_000381.4(MID1):c.872G>C (p.Arg291Thr)

Gene: MID1 (midline 1; minus strand). Cytogenetic location: Xp22.2.
Variant type: single nucleotide variant.
Coding change: c.872G>C on transcript NM_000381.4 (MANE Select); coding-DNA position 872, G replaced by C.
Protein change: p.Arg291Thr; replaces arginine 291 with threonine.
Molecular consequence: missense variant.
Genome position (GRCh38, 1-based): chrX:10,482,621, C>G on the plus strand (G>C on the coding strand, the complement: MID1 is on the minus strand). VCF-style: chrX-10482621-C-G. GRCh37 (hg19) VCF-style: chrX-10450661-C-G.
Other names: c.872G>C, p.Arg291Thr (NM_001098624.2, NM_001193277.1, NM_001193279.1 and 2 more transcripts); c.1025G>C, p.Arg342Thr (NM_001193278.1); c.758G>C, p.Arg253Thr (NM_001193280.1, NM_033289.2); c.872G>C (NM_000381.3); short protein forms R253T, R291T, R342T.
Identifiers: ClinVar variation 2574803 (VCV002574803.2), dbSNP rs774294547, ClinGen allele CA412053044.
Genomic context (GRCh38, chrX:10,482,621, plus strand): 5'-GATGCTGACCGCTCAATGCACTGTTTGCAGTTTGCAATCTGCTGAGCCAGTTTGCGAAGC[C>G]TCATCACCTTGAACAAAAGAGGCATGGAGAGAGATGGTTACATGGGTGGTCTTGCTTAAT-3'
Protein context (NP_000372.1, residues 281-301): GTKIKEGKVM[Arg291Thr]LRKLAQQIAN

ClinVar aggregate classification (germline): Uncertain significance. Review status: criteria provided, multiple submitters, no conflicts (2 of 4 stars). 2 submissions from 2 submitters: Uncertain significance (2). Last evaluated 2024-12-25.

Conditions:
Inborn genetic diseases. Identifiers: MedGen C0950123, MeSH D030342.

gnomAD v4.1: 1 of 1,210,226 alleles (0.000083%); highest among the groups gnomAD compares: Non-Finnish European, 0.00011%; no homozygotes.

Submissions (2):

Ambry Genetics
Classification: Uncertain significance for Inborn genetic diseases. Last evaluated: 2024-12-25. Review status: criteria provided, single submitter. Criteria: Ambry Variant Classification Scheme 2023. Collection method: clinical testing. Allele origin: germline.

GeneDx
Classification: Uncertain significance. Last evaluated: 2023-02-01. Review status: criteria provided, single submitter. Criteria: GeneDx Variant Classification Process June 2021. Collection method: clinical testing. Allele origin: germline. Affected: yes.
Comment: Not observed at significant frequency in large population cohorts (gnomAD); In silico analysis supports that this missense variant has a deleterious effect on protein structure/function; Has not been previously published as pathogenic or benign to our knowledge